The following is an entry in ClinVar:

ClinVar aggregate classification (germline): Uncertain significance (1 of 4 stars; one submission).

Conditions:
Autosomal dominant hypocalcemia 1 (HYPOC1). Also called: HYPOCALCEMIA, FAMILIAL. Identifiers: MedGen C3715128, MONDO:0011013, OMIM 601198.
Familial hypocalciuric hypercalcemia (FHH). Also called: Familial benign hypercalcemia. Identifiers: Orphanet 405, MedGen C1809471, MONDO:0018458.

Submission:

Labcorp Genetics (formerly Invitae), Labcorp
Classification: Uncertain significance for Familial hypocalciuric hypercalcemia; Autosomal dominant hypocalcemia 1. Last evaluated: 2025-07-07. Review status: criteria provided, single submitter. Criteria: Invitae Variant Classification Sherloc (09022015). Collection method: clinical testing. Allele origin: germline.
Comment: This sequence change falls in intron 6 of the CASR gene. It does not directly change the encoded amino acid sequence of the CASR protein. It affects a nucleotide within the consensus splice site. This variant is not present in population databases (gnomAD no frequency). This variant has not been reported in the literature in individuals affected with CASR-related conditions. ClinVar contains an entry for this variant (Variation ID: 2089414). Variants that disrupt the consensus splice site are a relatively common cause of aberrant splicing (PMID: 17576681, 9536098). Algorithms developed to predict the effect of sequence changes on RNA splicing suggest that this variant is not likely to affect RNA splicing. In summary, the available evidence is currently insufficient to determine the role of this variant in disease. Therefore, it has been classified as a Variant of Uncertain Significance.

Literature cited by the submitters: PubMed 17576681; PubMed 9536098.

NM_000388.4(CASR):c.1732+6G>T

Gene: CASR (calcium sensing receptor; plus strand). Cytogenetic location: 3q21.1.
Variant type: single nucleotide variant.
Coding change: c.1732+6G>T on transcript NM_000388.4 (MANE Select); 6 bases into the intron after coding-DNA position 1732, G replaced by T.
Molecular consequence: intron variant.
Genome position (GRCh38, 1-based): chr3:122,282,242, G>T. VCF-style: chr3-122282242-G-T. GRCh37 (hg19) VCF-style: chr3-122001089-G-T.
Other names: c.1762+6G>T (NM_001178065.2).
Identifiers: ClinVar variation 2089414 (VCV002089414.4), dbSNP rs2473273036, ClinGen allele CA2580068634.